The following is an entry in ClinVar:

NM_001042492.3(NF1):c.3280G>T (p.Glu1094Ter)

Gene: NF1 (neurofibromin 1; plus strand). Cytogenetic location: 17q11.2.
Variant type: single nucleotide variant.
Coding change: c.3280G>T on transcript NM_001042492.3 (MANE Select); coding-DNA position 3280, G replaced by T.
Protein change: p.Glu1094Ter; replaces glutamic acid 1094 with a stop codon.
Molecular consequence: nonsense.
Genome position (GRCh38, 1-based): chr17:31,232,155, G>T. VCF-style: chr17-31232155-G-T. GRCh37 (hg19) VCF-style: chr17-29559173-G-T.
Other names: c.3280G>T, p.Glu1094Ter (NM_000267.4); short protein forms E1094*.
Identifiers: ClinVar variation 2137977 (VCV002137977.4), dbSNP rs2151433844, ClinGen allele CA398988864.

ClinVar aggregate classification (germline): Pathogenic (1 of 4 stars; one submission).

Conditions:
Neurofibromatosis, type 1 (NF1). Also called: Peripheral type neurofibromatosis; VON RECKLINGHAUSEN DISEASE; NEUROFIBROMATOSIS, TYPE I, SOMATIC; Neurofibromatosis, type I. Identifiers: Orphanet 636, MedGen C0027831, MONDO:0018975, OMIM 162200. Disease mechanism: loss of function.

Submission:

Labcorp Genetics (formerly Invitae), Labcorp
Classification: Pathogenic for Neurofibromatosis, type 1. Last evaluated: 2022-03-20. Review status: criteria provided, single submitter. Criteria: Invitae Variant Classification Sherloc (09022015). Collection method: clinical testing. Allele origin: germline.
Comment: This variant is not present in population databases (gnomAD no frequency). This sequence change creates a premature translational stop signal (p.Glu1094*) in the NF1 gene. It is expected to result in an absent or disrupted protein product. Loss-of-function variants in NF1 are known to be pathogenic (PMID: 10712197, 23913538). For these reasons, this variant has been classified as Pathogenic. Algorithms developed to predict the effect of sequence changes on RNA splicing suggest that this variant may disrupt the consensus splice site. This variant has not been reported in the literature in individuals affected with NF1-related conditions.

Literature cited by the submitters: PubMed 10712197; PubMed 23913538.